The following is an entry in ClinVar:

NM_000261.2(MYOC):c.1463C>T (p.Ala488Val)

Gene: MYOC (myocilin; minus strand). Cytogenetic location: 1q24.3.
Variant type: single nucleotide variant.
Coding change: c.1463C>T on transcript NM_000261.2 (MANE Select); coding-DNA position 1463, C replaced by T.
Protein change: p.Ala488Val; replaces alanine 488 with valine.
Molecular consequence: missense variant.
Genome position (GRCh38, 1-based): chr1:171,635,977, G>A on the plus strand (C>T on the coding strand, the complement: MYOC is on the minus strand). VCF-style: chr1-171635977-G-A. GRCh37 (hg19) VCF-style: chr1-171605117-G-A.
Other names: NM_000261.2:c.1463C>T; short protein forms A488V.
Identifiers: ClinVar variation 2570621 (VCV002570621.2), dbSNP rs776513776, ClinGen allele CA1244017.

ClinVar aggregate classification (germline): Uncertain significance (3 of 4 stars; one submission).

Conditions:
Open-angle glaucoma. Identifiers: MedGen C0017612, MONDO:0005338, HP:0012108.

Allele frequency attached by ClinVar (database versions not stated): gnomAD exomes below 0.00001; TOPMed 0.00001; ExAC 0.00002.
gnomAD v4.1: 3 of 1,614,158 alleles (0.00019%); highest among the groups gnomAD compares: East Asian, 0.0045%; no homozygotes.

Submission:

ClinGen Glaucoma Variant Curation Expert Panel
Classification: Uncertain significance for Open-angle glaucoma. Last evaluated: 2026-01-12. Review status: reviewed by expert panel. Criteria: ClinGen Glaucoma ACMG Specifications V2.0.0 Approved. Collection method: curation. Allele origin: germline. Inheritance: Autosomal dominant inheritance.
Comment: The c.1463C>T variant in MYOC is a missense variant predicted to cause substitution of Alanine by Valine at amino acid 488 (p.Ala488Val). The highest minor allele frequency of this variant was in the East Asian genetic ancestry group of gnomAD (v4.1.0) = 0.00004456 (2 alleles out of 44,882), which met the ≤ 0.0001 threshold set for PM2_Supporting in a genetic ancestry group of at least 10,000 alleles. The REVEL score = 0.715, which was within the 0.644-0.772 range for PP3, predicting a damaging effect on MYOC function. There was no functional evidence predicting a damaging or benign impact of this variant on MYOC function. This variant has not yet been identified in a proband with juvenile or primary open angle glaucoma, only in a participant of the control cohort. In summary, this variant met the criteria to receive a score of 2 and to be classified as a variant of uncertain significance (uncertain significance classification range -1 to 5, adapted from PMID: 32720330) for primary open angle glaucoma based on the ACMG/AMP criteria met, as specified by the ClinGen Glaucoma VCEP (v2.0.0, 5 Dec 2024): PP3, PM2_Supporting.